The following is an entry in ClinVar:

ClinVar aggregate classification (germline): Likely benign. Review status: criteria provided, multiple submitters, no conflicts (2 of 4 stars). 2 submissions from 2 submitters: Likely benign (2). Last evaluated 2024-01-01.

Conditions:
Inborn genetic diseases. Identifiers: MedGen C0950123, MeSH D030342.

Allele frequency attached by ClinVar (database versions not stated): ExAC 0.00002; TOPMed 0.00002; gnomAD exomes 0.00003; gnomAD 0.00004; ESP Exome Variant Server 0.00015.
gnomAD v4.1: 50 of 1,599,708 alleles (0.0031%); highest among the groups gnomAD compares: Middle Eastern, 0.017%; no homozygotes.

Submissions (2):

CeGaT Center for Human Genetics Tuebingen
Classification: Likely benign. Last evaluated: 2024-01-01. Review status: criteria provided, single submitter. Criteria: CeGaT Center For Human Genetics Tuebingen Variant Classification Criteria Version 2. Collection method: clinical testing. Allele origin: germline. Affected: yes. Observed: 2 variant alleles.
Comment: CNOT2: BS2

Ambry Genetics
Classification: Likely benign for Inborn genetic diseases. Last evaluated: 2023-10-05. Review status: criteria provided, single submitter. Criteria: Ambry Variant Classification Scheme 2023. Collection method: clinical testing. Allele origin: germline.

NM_014515.7(CNOT2):c.145A>G (p.Met49Val)

Gene: CNOT2 (CCR4-NOT transcription complex subunit 2; plus strand). Cytogenetic location: 12q15.
Variant type: single nucleotide variant.
Coding change: c.145A>G on transcript NM_014515.7 (MANE Select); coding-DNA position 145, A replaced by G.
Protein change: p.Met49Val; replaces methionine 49 with valine.
Molecular consequence: missense variant. On other transcripts: non-coding transcript variant (1), intron variant (1).
Genome position (GRCh38, 1-based): chr12:70,310,991, A>G. VCF-style: chr12-70310991-A-G. GRCh37 (hg19) VCF-style: chr12-70704771-A-G.
Other names: c.145A>G, p.Met49Val (NM_001199302.2, NM_001199303.2, NM_001414651.1 and 3 more transcripts); c.118A>G, p.Met40Val (NM_001414653.1, NM_001414654.1, NM_001414655.1); c.85A>G, p.Met29Val (NM_001414657.1, NM_001414658.1, NM_001414659.1 and 1 more transcripts); c.49-8307A>G (NM_001414661.1); short protein forms M29V, M40V, M49V.
Identifiers: ClinVar variation 2672511 (VCV002672511.24), dbSNP rs138621902, ClinGen allele CA6682600.